The following is an entry in ClinVar:

ClinVar aggregate classification (germline): Uncertain significance. Review status: criteria provided, multiple submitters, no conflicts (2 of 4 stars). 2 submissions from 2 submitters: Uncertain significance (2). Last evaluated 2022-11-22.

Allele frequency attached by ClinVar (database versions not stated): gnomAD exomes below 0.00001; ExAC 0.00001; gnomAD 0.00001; 1000 Genomes Project 30x 0.00016; 1000 Genomes Project 0.00020.
gnomAD v4.1: 4 of 1,613,384 alleles (0.00025%); highest among the groups gnomAD compares: African/African-American, 0.0013%; no homozygotes.

Submissions (2):

Labcorp Genetics (formerly Invitae), Labcorp
Classification: Uncertain significance. Last evaluated: 2022-11-22. Review status: criteria provided, single submitter. Criteria: Invitae Variant Classification Sherloc (09022015). Collection method: clinical testing. Allele origin: germline.
Comment: In summary, the available evidence is currently insufficient to determine the role of this variant in disease. Therefore, it has been classified as a Variant of Uncertain Significance. Advanced modeling of protein sequence and biophysical properties (such as structural, functional, and spatial information, amino acid conservation, physicochemical variation, residue mobility, and thermodynamic stability) performed at Invitae indicates that this missense variant is not expected to disrupt ELP1 protein function. ClinVar contains an entry for this variant (Variation ID: 1505089). This variant has not been reported in the literature in individuals affected with ELP1-related conditions. This variant is present in population databases (rs568478937, gnomAD 0.007%). This sequence change replaces methionine, which is neutral and non-polar, with valine, which is neutral and non-polar, at codon 614 of the ELP1 protein (p.Met614Val).

Ambry Genetics
Classification: Uncertain significance. Last evaluated: 2019-08-30. Review status: criteria provided, single submitter. Criteria: Ambry Variant Classification Scheme 2023. Collection method: clinical testing. Allele origin: germline.
Comment: The p.M614V variant (also known as c.1840A>G), located in coding exon 15 of the IKBKAP gene, results from an A to G substitution at nucleotide position 1840. The methionine at codon 614 is replaced by valine, an amino acid with highly similar properties. This amino acid position is not well conserved in available vertebrate species. In addition, this alteration is predicted to be tolerated by in silico analysis. Since supporting evidence is limited at this time, the clinical significance of this alteration remains unclear.

NM_003640.5(ELP1):c.1840A>G (p.Met614Val)

Gene: ELP1 (elongator acetyltransferase complex subunit 1; minus strand). Cytogenetic location: 9q31.3.
Variant type: single nucleotide variant.
Coding change: c.1840A>G on transcript NM_003640.5 (MANE Select); coding-DNA position 1840, A replaced by G.
Protein change: p.Met614Val; replaces methionine 614 with valine.
Molecular consequence: missense variant.
Genome position (GRCh38, 1-based): chr9:108,902,853, T>C on the plus strand (A>G on the coding strand, the complement: ELP1 is on the minus strand). VCF-style: chr9-108902853-T-C. GRCh37 (hg19) VCF-style: chr9-111665133-T-C.
Other names: c.1498A>G, p.Met500Val (NM_001318360.2); c.793A>G, p.Met265Val (NM_001330749.2); short protein forms M614V, M265V, M500V.
Identifiers: ClinVar variation 1505089 (VCV001505089.10), dbSNP rs568478937, ClinGen allele CA5174884.